The following is an entry in ClinVar:

ClinVar aggregate classification (germline): Likely pathogenic (1 of 4 stars; one submission).

Conditions:
Dilated cardiomyopathy 1G (CMD1G). Identifiers: Orphanet 154, MedGen C1858763, MONDO:0011400, OMIM 604145.
Autosomal recessive limb-girdle muscular dystrophy type 2J (LGMDR10). Also called: Limb-girdle muscular dystrophy, type 2J; MUSCULAR DYSTROPHY, LIMB-GIRDLE, AUTOSOMAL RECESSIVE 10. Identifiers: Orphanet 140922, MedGen C1837342, MONDO:0012127, OMIM 608807.

Submission:

Labcorp Genetics (formerly Invitae), Labcorp
Classification: Likely pathogenic for Dilated cardiomyopathy 1G; Autosomal recessive limb-girdle muscular dystrophy type 2J. Last evaluated: 2024-11-04. Review status: criteria provided, single submitter. Criteria: Invitae Variant Classification Sherloc (09022015). Collection method: clinical testing. Allele origin: germline.
Comment: This sequence change creates a premature translational stop signal (p.Gln2484*) in the TTN gene. While this is not anticipated to result in nonsense mediated decay, it is expected to create a truncated TTN protein. This variant is not present in population databases (gnomAD no frequency). This variant has not been reported in the literature in individuals affected with TTN-related conditions. ClinVar contains an entry for this variant (Variation ID: 1052411). This variant is located in the I band of TTN (PMID: 25589632). Truncating variants in this region have been reported in individuals affected with autosomal recessive centronuclear myopathy (PMID: 23975875, internal data). Truncating variants in this region have also been identified in individuals affected with autosomal dominant dilated cardiomyopathy and/or cardio-related conditions (PMID: 27869827, 32964742, internal data). In summary, the currently available evidence indicates that the variant is pathogenic, but additional data are needed to prove that conclusively. Therefore, this variant has been classified as Likely Pathogenic.

Literature cited by the submitters: PubMed 25589632; PubMed 23975875; PubMed 27869827; PubMed 32964742.

NM_001267550.2(TTN):c.7450C>T (p.Gln2484Ter)

Genes: TTN (titin; minus strand), LOC126806433 (BRD4-independent group 4 enhancer GRCh37_chr2:179638309-179639508; plus strand). Cytogenetic location: 2q31.2.
Variant type: single nucleotide variant.
Coding change: c.7450C>T on transcript NM_001267550.2 (MANE Select); coding-DNA position 7450, C replaced by T.
Protein change: p.Gln2484Ter; replaces glutamine 2484 with a stop codon.
Molecular consequence: nonsense.
Genome position (GRCh38, 1-based): chr2:178,773,606, G>A on the plus strand (C>T on the coding strand, the complement: TTN is on the minus strand). VCF-style: chr2-178773606-G-A. GRCh37 (hg19) VCF-style: chr2-179638333-G-A.
Other names: c.7450C>T, p.Gln2484Ter (NM_001256850.1, NM_133378.4, NM_133379.5); c.7312C>T, p.Gln2438Ter (NM_003319.4, NM_133432.3, NM_133437.4); short protein forms Q2438*, Q2484*.
Identifiers: ClinVar variation 1052411 (VCV001052411.9), dbSNP rs2091844239, ClinGen allele CA349680262.